The following is an entry in ClinVar:

NM_022552.5(DNMT3A):c.2083-15C>G

Gene: DNMT3A (DNA methyltransferase 3 alpha; minus strand). Cytogenetic location: 2p23.3.
Variant type: single nucleotide variant.
Coding change: c.2083-15C>G on transcript NM_022552.5 (MANE Select); 15 bases into the intron before coding-DNA position 2083, C replaced by G.
Molecular consequence: intron variant.
Genome position (GRCh38, 1-based): chr2:25,240,745, G>C on the plus strand (C>G on the coding strand, the complement: DNMT3A is on the minus strand). VCF-style: chr2-25240745-G-C. GRCh37 (hg19) VCF-style: chr2-25463614-G-C.
Other names: c.2083-15C>G (NM_175629.2); c.1516-15C>G (NM_153759.3); c.1627-15C>G (NM_001320893.1); c.1414-15C>G (NM_001375819.1).
Identifiers: ClinVar variation 3656354 (VCV003656354.2).

ClinVar aggregate classification (germline): Uncertain significance (1 of 4 stars; one submission).

Conditions:
Tatton-Brown-Rahman overgrowth syndrome. Also called: Tall stature-intellectual disability-facial dysmorphism syndrome; Tatton-Brown-Rahman syndrome. Identifiers: Orphanet 404443, MedGen C4014545, MONDO:0014382, OMIM 615879.

Submission:

Labcorp Genetics (formerly Invitae), Labcorp
Classification: Uncertain significance for Tatton-Brown-Rahman overgrowth syndrome. Last evaluated: 2024-06-19. Review status: criteria provided, single submitter. Criteria: Invitae Variant Classification Sherloc (09022015). Collection method: clinical testing. Allele origin: germline.
Comment: This sequence change falls in intron 17 of the DNMT3A gene. It does not directly change the encoded amino acid sequence of the DNMT3A protein. This variant is not present in population databases (gnomAD no frequency). This variant has not been reported in the literature in individuals affected with DNMT3A-related conditions. Algorithms developed to predict the effect of sequence changes on RNA splicing suggest that this variant may create or strengthen a splice site. In summary, the available evidence is currently insufficient to determine the role of this variant in disease. Therefore, it has been classified as a Variant of Uncertain Significance.